The following is an entry in ClinVar:

NM_080680.3(COL11A2):c.4503C>G (p.Ile1501Met)

Gene: COL11A2 (collagen type XI alpha 2 chain; minus strand). Cytogenetic location: 6p21.32.
Variant type: single nucleotide variant.
Coding change: c.4503C>G on transcript NM_080680.3 (MANE Select); coding-DNA position 4503, C replaced by G.
Protein change: p.Ile1501Met; replaces isoleucine 1501 with methionine.
Molecular consequence: missense variant.
Genome position (GRCh38, 1-based): chr6:33,165,796, G>C on the plus strand (C>G on the coding strand, the complement: COL11A2 is on the minus strand). VCF-style: chr6-33165796-G-C. GRCh37 (hg19) VCF-style: chr6-33133573-G-C.
Other names: c.4182C>G, p.Ile1394Met (NM_080679.3); c.4245C>G, p.Ile1415Met (NM_080681.3); c.4503C>G (NM_080680.2); short protein forms I1394M, I1415M, I1501M.
Identifiers: ClinVar variation 1431539 (VCV001431539.10), dbSNP rs2150517917, ClinGen allele CA363619274.

ClinVar aggregate classification (germline): Uncertain significance. Review status: criteria provided, multiple submitters, no conflicts (2 of 4 stars). 3 submissions from 3 submitters: Uncertain significance (3). Last evaluated 2026-07-19.

Conditions:
Inborn genetic diseases. Identifiers: MedGen C0950123, MeSH D030342.

gnomAD v4.1: 1 of 1,613,502 alleles (0.000062%); highest among the groups gnomAD compares: African/African-American, 0.0013%; no homozygotes.

Submissions (3):

Ambry Genetics
Classification: Uncertain significance for Inborn genetic diseases. Last evaluated: 2026-07-19. Review status: criteria provided, single submitter. Criteria: Ambry Variant Classification Scheme 2023. Collection method: clinical testing. Allele origin: germline.

Women's Health and Genetics/Laboratory Corporation of America, LabCorp
Classification: Uncertain significance. Last evaluated: 2024-09-04. Review status: criteria provided, single submitter. Criteria: LabCorp Variant Classification Summary - May 2015. Collection method: clinical testing. Allele origin: germline.
Comment: Variant summary: COL11A2 c.4503C>G (p.Ile1501Met) results in a conservative amino acid change located in the Laminin G domain (IPR001791) of the encoded protein sequence. Four of five in-silico tools predict a damaging effect of the variant on protein function. The variant was absent in 249772 control chromosomes. The available data on variant occurrences in the general population are insufficient to allow any conclusion about variant significance. To our knowledge, no occurrence of c.4503C>G in individuals affected with COL11A2-Related Disorders and no experimental evidence demonstrating its impact on protein function have been reported. ClinVar contains an entry for this variant (Variation ID: 1431539). Based on the evidence outlined above, the variant was classified as uncertain significance.

Labcorp Genetics (formerly Invitae), Labcorp
Classification: Uncertain significance. Last evaluated: 2022-03-19. Review status: criteria provided, single submitter. Criteria: Invitae Variant Classification Sherloc (09022015). Collection method: clinical testing. Allele origin: germline.
Comment: This variant has not been reported in the literature in individuals affected with COL11A2-related conditions. In summary, the available evidence is currently insufficient to determine the role of this variant in disease. Therefore, it has been classified as a Variant of Uncertain Significance. Advanced modeling of protein sequence and biophysical properties (such as structural, functional, and spatial information, amino acid conservation, physicochemical variation, residue mobility, and thermodynamic stability) performed at Invitae indicates that this missense variant is not expected to disrupt COL11A2 protein function. This variant is not present in population databases (gnomAD no frequency). This sequence change replaces isoleucine, which is neutral and non-polar, with methionine, which is neutral and non-polar, at codon 1501 of the COL11A2 protein (p.Ile1501Met).